The following is an entry in ClinVar:

NM_015346.4(ZFYVE26):c.3340C>T (p.Gln1114Ter)

Gene: ZFYVE26 (zinc finger FYVE-type containing 26; minus strand). Cytogenetic location: 14q24.1.
Variant type: single nucleotide variant.
Coding change: c.3340C>T on transcript NM_015346.4 (MANE Select); coding-DNA position 3340, C replaced by T.
Protein change: p.Gln1114Ter; replaces glutamine 1114 with a stop codon.
Molecular consequence: nonsense.
Genome position (GRCh38, 1-based): chr14:67,785,242, G>A on the plus strand (C>T on the coding strand, the complement: ZFYVE26 is on the minus strand). VCF-style: chr14-67785242-G-A. GRCh37 (hg19) VCF-style: chr14-68251959-G-A.
Other names: short protein forms Q1114*.
Identifiers: ClinVar variation 1451144 (VCV001451144.7), dbSNP rs1329201909, ClinGen allele CA390172462.

ClinVar aggregate classification (germline): Pathogenic (1 of 4 stars; one submission).

Conditions:
Spastic paraplegia. Identifiers: MedGen C0037772, HP:0001258.

Allele frequency attached by ClinVar (database versions not stated): gnomAD exomes below 0.00001 and 0.00001.
gnomAD v4.1: 5 of 1,612,558 alleles (0.00031%); highest among the groups gnomAD compares: Non-Finnish European, 0.00042%; no homozygotes.

Submission:

Labcorp Genetics (formerly Invitae), Labcorp
Classification: Pathogenic for Spastic paraplegia. Last evaluated: 2025-06-03. Review status: criteria provided, single submitter. Criteria: Invitae Variant Classification Sherloc (09022015). Collection method: clinical testing. Allele origin: germline.
Comment: This sequence change creates a premature translational stop signal (p.Gln1114*) in the ZFYVE26 gene. It is expected to result in an absent or disrupted protein product. Loss-of-function variants in ZFYVE26 are known to be pathogenic (PMID: 18394578, 19805727). This variant is present in population databases (no rsID available, gnomAD 0.0009%). This variant has not been reported in the literature in individuals affected with ZFYVE26-related conditions. ClinVar contains an entry for this variant (Variation ID: 1451144). For these reasons, this variant has been classified as Pathogenic.

Literature cited by the submitters: PubMed 18394578; PubMed 19805727.